The following is an entry in ClinVar:

NM_015202.5(KATNIP):c.1090G>A (p.Glu364Lys)

Gene: KATNIP (katanin interacting protein; plus strand). Cytogenetic location: 16p12.1.
Variant type: single nucleotide variant.
Coding change: c.1090G>A on transcript NM_015202.5 (MANE Select); coding-DNA position 1090, G replaced by A.
Protein change: p.Glu364Lys; replaces glutamic acid 364 with lysine.
Molecular consequence: missense variant.
Genome position (GRCh38, 1-based): chr16:27,698,477, G>A. VCF-style: chr16-27698477-G-A. GRCh37 (hg19) VCF-style: chr16-27709798-G-A.
Other names: c.1090G>A (NM_015202.3); short protein forms E364K.
Identifiers: ClinVar variation 3112834 (VCV003112834.3), dbSNP rs138531896, ClinGen allele CA7977560.

ClinVar aggregate classification (germline): Uncertain significance. Review status: criteria provided, multiple submitters, no conflicts (2 of 4 stars). 3 submissions from 3 submitters: Uncertain significance (3). Last evaluated 2026-01-02.

Conditions:
KATNIP-related disorder. Also called: KATNIP-related condition.

Allele frequency attached by ClinVar (database versions not stated): gnomAD 0.00001; ExAC 0.00002; gnomAD exomes 0.00002; TOPMed 0.00003; ESP Exome Variant Server 0.00008.
gnomAD v4.1: 35 of 1,610,780 alleles (0.0022%); highest among the groups gnomAD compares: Middle Eastern, 0.018%; no homozygotes.

Submissions (3):

PreventionGenetics, part of Exact Sciences
Classification: Uncertain significance for KATNIP-related condition. Last evaluated: 2026-01-02. Review status: criteria provided, single submitter. Criteria: ACMG Guidelines, 2015. Collection method: clinical testing. Allele origin: germline.
Comment: The KATNIP c.1090G>A variant is predicted to result in the amino acid substitution p.Glu364Lys. To our knowledge, this variant has not been reported in the literature. This variant is reported in 0.010% of alleles in individuals of East Asian descent in gnomAD. At this time, the clinical significance of this variant is uncertain due to the absence of conclusive functional and genetic evidence.

Ambry Genetics
Classification: Uncertain significance. Last evaluated: 2023-09-25. Review status: criteria provided, single submitter. Criteria: Ambry Variant Classification Scheme 2023. Collection method: clinical testing. Allele origin: germline.

Blueprint Genetics
Classification: Uncertain significance. Last evaluated: 2022-06-23. Review status: criteria provided, single submitter. Criteria: ACMG Guidelines, 2015. Collection method: clinical testing. Allele origin: germline.